The following is an entry in ClinVar:

ClinVar aggregate classification (germline): Uncertain significance (1 of 4 stars; one submission).

Conditions:
Type A2 brachydactyly (BDA2). Also called: Brachymesophalangy type 2; MOHR-WRIEDT TYPE BRACHYDACTYLY; BRACHYMESOPHALANGY II. Identifiers: Orphanet 93396, MedGen C1832702, MONDO:0007216, OMIM 112600, HP:0009372.
Acromesomelic dysplasia 3 (AMD3). Also called: Acromesomelic dysplasia, Demirhan type; CHONDRODYSPLASIA, ACROMESOMELIC, WITH OR WITHOUT GENITAL ANOMALIES. Identifiers: MedGen C4225404, MONDO:0012274, OMIM 609441.

Allele frequency attached by ClinVar (database versions not stated): gnomAD exomes 0.00001; ExAC 0.00002; gnomAD 0.00003 and 0.00004; TOPMed 0.00003.
gnomAD v4.1: 24 of 1,613,588 alleles (0.0015%); highest among the groups gnomAD compares: Middle Eastern, 0.016%; no homozygotes.

Submission:

Labcorp Genetics (formerly Invitae), Labcorp
Classification: Uncertain significance for Type A2 brachydactyly; Acromesomelic dysplasia 3. Last evaluated: 2022-09-07. Review status: criteria provided, single submitter. Criteria: Invitae Variant Classification Sherloc (09022015). Collection method: clinical testing. Allele origin: germline.
Comment: In summary, the available evidence is currently insufficient to determine the role of this variant in disease. Therefore, it has been classified as a Variant of Uncertain Significance. Advanced modeling of protein sequence and biophysical properties (such as structural, functional, and spatial information, amino acid conservation, physicochemical variation, residue mobility, and thermodynamic stability) performed at Invitae indicates that this missense variant is expected to disrupt BMPR1B protein function. ClinVar contains an entry for this variant (Variation ID: 1400741). This variant has not been reported in the literature in individuals affected with BMPR1B-related conditions. This variant is present in population databases (rs757843329, gnomAD 0.003%). This sequence change replaces leucine, which is neutral and non-polar, with valine, which is neutral and non-polar, at codon 194 of the BMPR1B protein (p.Leu194Val).

NM_001203.3(BMPR1B):c.580C>G (p.Leu194Val)

Gene: BMPR1B (bone morphogenetic protein receptor type 1B; plus strand). Cytogenetic location: 4q22.3.
Variant type: single nucleotide variant.
Coding change: c.580C>G on transcript NM_001203.3 (MANE Select); coding-DNA position 580, C replaced by G.
Protein change: p.Leu194Val; replaces leucine 194 with valine.
Molecular consequence: missense variant.
Genome position (GRCh38, 1-based): chr4:95,125,116, C>G. VCF-style: chr4-95125116-C-G. GRCh37 (hg19) VCF-style: chr4-96046267-C-G.
Other names: c.580C>G, p.Leu194Val (NM_001256792.2, NM_001256794.1); c.670C>G, p.Leu224Val (NM_001256793.2); short protein forms L194V, L224V.
Identifiers: ClinVar variation 1400741 (VCV001400741.8), dbSNP rs757843329, ClinGen allele CA3015021.